The following is an entry in ClinVar:

ClinVar aggregate classification (germline): Uncertain significance (1 of 4 stars; one submission).

gnomAD v4.1: 1 of 1,614,082 alleles (0.000062%); highest among the groups gnomAD compares: Admixed American, 0.0017%; no homozygotes.

Submission:

Ambry Genetics
Classification: Uncertain significance. Last evaluated: 2024-04-26. Review status: criteria provided, single submitter. Criteria: Ambry Variant Classification Scheme 2023. Collection method: clinical testing. Allele origin: germline.
Comment: The p.I423M variant (also known as c.1269A>G), located in coding exon 13 of the NPAT gene, results from an A to G substitution at nucleotide position 1269. The isoleucine at codon 423 is replaced by methionine, an amino acid with highly similar properties. This amino acid position is conserved. In addition, this alteration is predicted to be tolerated by in silico analysis. Based on the available evidence, the clinical significance of this variant remains unclear.

NM_002519.3(NPAT):c.1269A>G (p.Ile423Met)

Gene: NPAT (nuclear protein, coactivator of histone transcription; minus strand). Cytogenetic location: 11q22.3.
Variant type: single nucleotide variant.
Coding change: c.1269A>G on transcript NM_002519.3 (MANE Select); coding-DNA position 1269, A replaced by G.
Protein change: p.Ile423Met; replaces isoleucine 423 with methionine.
Molecular consequence: missense variant.
Genome position (GRCh38, 1-based): chr11:108,173,715, T>C on the plus strand (A>G on the coding strand, the complement: NPAT is on the minus strand). VCF-style: chr11-108173715-T-C. GRCh37 (hg19) VCF-style: chr11-108044442-T-C.
Other names: c.1269A>G, p.Ile423Met (NM_001321307.1); short protein forms I423M.
Identifiers: ClinVar variation 3300676 (VCV003300676.1).
Genomic context (GRCh38, chr11:108,173,715, plus strand): 5'-GGTAATGTCAATGTCACACTTCTGTTCAGTGGGTACAGCTGTTTTAAAGGCCTTTTTCTG[T>C]ATGCTGGTACTTATTTGGGAAAAATTTTCCTGGTCTTCTTGTCTAAGCACATCATGGTTG-3'
Protein context (NP_002510.2, residues 413-433): QENFSQISTS[Ile423Met]QKKAFKTAVP